The following is an entry in ClinVar:

ClinVar aggregate classification (germline): Uncertain significance (1 of 4 stars; one submission).

Conditions:
Hereditary cancer-predisposing syndrome. Also called: Neoplastic Syndromes, Hereditary; Tumor predisposition; Hereditary Cancer Syndrome; Hereditary neoplastic syndrome. Identifiers: Orphanet 140162, MedGen C0027672, MeSH D009386, MONDO:0015356.

Submission:

Ambry Genetics
Classification: Uncertain significance for Hereditary cancer-predisposing syndrome. Last evaluated: 2021-08-13. Review status: criteria provided, single submitter. Criteria: Ambry Variant Classification Scheme 2023. Collection method: clinical testing. Allele origin: germline.
Comment: The p.Y1162H variant (also known as c.3484T>C), located in coding exon 23 of the RAD50 gene, results from a T to C substitution at nucleotide position 3484. The tyrosine at codon 1162 is replaced by histidine, an amino acid with similar properties. This amino acid position is conserved. In addition, this alteration is predicted to be deleterious by in silico analysis. Since supporting evidence is limited at this time, the clinical significance of this alteration remains unclear.

NM_005732.4(RAD50):c.3484T>C (p.Tyr1162His)

Genes: TH2LCRR (T helper type 2 locus control region associated RNA; minus strand), TH2-LCR (Th2 cytokine locus control region; plus strand), RAD50 (RAD50 double strand break repair protein; plus strand). Cytogenetic location: 5q31.1.
Variant type: single nucleotide variant.
Coding change: c.3484T>C on transcript NM_005732.4 (MANE Select); coding-DNA position 3484, T replaced by C.
Protein change: p.Tyr1162His; replaces tyrosine 1162 with histidine.
Molecular consequence: missense variant. On other transcripts: non-coding transcript variant (2).
Genome position (GRCh38, 1-based): chr5:132,638,089, T>C. VCF-style: chr5-132638089-T-C. GRCh37 (hg19) VCF-style: chr5-131973781-T-C.
Other names: short protein forms Y1162H.
Identifiers: ClinVar variation 1731870 (VCV001731870.2), dbSNP rs2479427427, ClinGen allele CA360931070.